The following is an entry in ClinVar:

NM_032638.5(GATA2):c.413T>C (p.Leu138Pro)

Gene: GATA2 (GATA binding protein 2; minus strand). Cytogenetic location: 3q21.3.
Variant type: single nucleotide variant.
Coding change: c.413T>C on transcript NM_032638.5 (MANE Select); coding-DNA position 413, T replaced by C.
Protein change: p.Leu138Pro; replaces leucine 138 with proline.
Molecular consequence: missense variant.
Genome position (GRCh38, 1-based): chr3:128,486,185, A>G on the plus strand (T>C on the coding strand, the complement: GATA2 is on the minus strand). VCF-style: chr3-128486185-A-G. GRCh37 (hg19) VCF-style: chr3-128205028-A-G.
Other names: c.413T>C (NM_001145661.1); c.413T>C, p.Leu138Pro (NM_001145661.2, NM_001145662.1); short protein forms L138P.
Identifiers: ClinVar variation 404085 (VCV000404085.18), dbSNP rs746362966, ClinGen allele CA2600034.
Genomic context (GRCh38, chr3:128,486,185, plus strand): 5'-GAGGCCACTGAGCTCCCGCTGCCTCCCCCGCTCCCACCCCCAGCCCCTGGGTACACAGAG[A>G]GTGGGCCTCCAGGGCCTCCAGCAGCTGAGGGGTGCAGTGGCGTCTTGGAGAAGGGGCTCA-3'
Protein context (NP_116027.2, residues 128-148): PSAAGGPGGP[Leu138Pro]SVYPGAGGGS

ClinVar aggregate classification (germline): Conflicting classifications of pathogenicity. Review status: criteria provided, conflicting classifications (1 of 4 stars). 7 submissions from 7 submitters: Uncertain significance (5); Likely benign (1). 1 of the submissions does not count toward it. Last evaluated 2026-01-06.

Conditions:
GATA2-related disorder. Also called: GATA2-Related Disorders; GATA2-related condition.
Inborn genetic diseases. Identifiers: MedGen C0950123, MeSH D030342.
Acute myeloid leukemia (AML). Also called: Leukemia, acute myeloid, somatic; Leukemia, acute myelogenous, somatic; Acute myeloid leukemia, adult; AML adult; Acute non-lymphocytic leukemia; Acute granulocytic leukemia. Identifiers: Orphanet 519, MedGen C0023467, MeSH D015470, MONDO:0018874, OMIM 601626, HP:0004808. Disease mechanism: Constitutively activated FLT3.
Deafness-lymphedema-leukemia syndrome. Also called: Emberger syndrome; Lymphedema, primary, with myelodysplasia. Identifiers: Orphanet 3226, MedGen C3279664, MONDO:0013540, OMIM 614038.
Monocytopenia with susceptibility to infections. Also called: MONOCYTOPENIA AND MYCOBACTERIAL INFECTION SYNDROME; MONOCYTOPENIA WITH SUSCEPTIBILITY TO MYCOBACTERIAL, FUNGAL, AND PAPILLOMAVIRUS INFECTIONS AND MYELODYSPLASIA; COMBINED IMMUNODEFICIENCY WITH SUSCEPTIBILITY TO MYCOBACTERIAL, VIRAL, AND FUNGAL INFECTIONS; Dendritic cell, monocyte, B lymphocyte, and natural killer lymphocyte deficiency; IMMUNODEFICIENCY 21; GATA2 DEFICIENCY. Identifiers: Orphanet 228423, MedGen C3280030, MONDO:0013607, OMIM 614172.
Predisposition to myelodysplastic syndrome.

Allele frequency attached by ClinVar (database versions not stated): gnomAD 0.00003 and 0.00004; gnomAD exomes 0.00004; TOPMed 0.00004; ExAC 0.00008.
gnomAD v4.1: 112 of 1,563,818 alleles (0.0072%); highest among the groups gnomAD compares: Non-Finnish European, 0.0092%; no homozygotes.

Submissions (7):

Labcorp Genetics (formerly Invitae), Labcorp
Classification: Uncertain significance for Monocytopenia with susceptibility to infections; Deafness-lymphedema-leukemia syndrome. Last evaluated: 2026-01-06. Review status: criteria provided, single submitter. Criteria: Invitae Variant Classification Sherloc (09022015). Collection method: clinical testing. Allele origin: germline.
Comment: This sequence change replaces leucine, which is neutral and non-polar, with proline, which is neutral and non-polar, at codon 138 of the GATA2 protein (p.Leu138Pro). This variant is present in population databases (rs746362966, gnomAD 0.01%). This variant has not been reported in the literature in individuals affected with GATA2-related conditions. ClinVar contains an entry for this variant (Variation ID: 404085). Invitae Evidence Modeling of protein sequence and biophysical properties (such as structural, functional, and spatial information, amino acid conservation, physicochemical variation, residue mobility, and thermodynamic stability) has been performed for this missense variant. However, the output from this modeling did not meet the statistical confidence thresholds required to predict the impact of this variant on GATA2 protein function. In summary, the available evidence is currently insufficient to determine the role of this variant in disease. Therefore, it has been classified as a Variant of Uncertain Significance.

Ambry Genetics
Classification: Likely benign for Inborn genetic diseases. Last evaluated: 2024-10-28. Review status: criteria provided, single submitter. Criteria: Ambry Variant Classification Scheme 2023. Collection method: clinical testing. Allele origin: germline.

Baylor Genetics
Classification: Uncertain significance for Acute myeloid leukemia. Last evaluated: 2023-10-22. Review status: criteria provided, single submitter. Criteria: ACMG Guidelines, 2015. Collection method: clinical testing. Allele origin: unknown.

St. Jude Molecular Pathology, St. Jude Children's Research Hospital
Classification: Uncertain significance for Predisposition to myelodysplastic syndrome. Last evaluated: 2023-09-08. Review status: criteria provided, single submitter. Criteria: St. Jude Assertion Criteria 2020. Collection method: clinical testing. Allele origin: germline.
Comment: The GATA2 c.413T>C (p.Leu138Pro) missense change has a maximum subpopulation frequency of 0.009% in gnomAD v2.1.1. The in silico tool REVEL is inconclusive about a pathogenic or benign effect of this variant on protein function, and to our knowledge functional studies have not been performed. To our knowledge, this variant has not been reported in individuals presenting with GATA2-associated clinical phenotypes. In summary, the evidence currently available is insufficient to determine the clinical significance of this variant. It has therefore been classified as of uncertain significance.

Blueprint Genetics
Classification: Uncertain significance. Last evaluated: 2022-03-08. Review status: criteria provided, single submitter. Criteria: ACMG Guidelines, 2015. Collection method: clinical testing. Allele origin: germline.

Illumina Laboratory Services, Illumina
Classification: Uncertain significance for Deafness-lymphedema-leukemia syndrome. Last evaluated: 2018-01-13. Review status: criteria provided, single submitter. Criteria: ICSL Variant Classification Criteria 13 December 2019. Collection method: clinical testing. Allele origin: germline.

PreventionGenetics, part of Exact Sciences
Classification: Uncertain significance for GATA2-related condition. Last evaluated: 2024-03-27. Review status: no assertion criteria provided. Collection method: clinical testing. Allele origin: germline. Not counted in ClinVar's aggregate classification.
Comment: The GATA2 c.413T>C variant is predicted to result in the amino acid substitution p.Leu138Pro. To our knowledge, this variant has not been reported in the literature. This variant is reported in 0.0099% of alleles in individuals of European (Non-Finnish) descent in gnomAD. In ClinVar this variant has been listed as uncertain. At this time, the clinical significance of this variant is uncertain due to the absence of conclusive functional and genetic evidence.